The following is an entry in ClinVar:

NM_015910.7(WDPCP):c.473A>G (p.Lys158Arg)

Gene: WDPCP (WD repeat containing planar cell polarity effector; minus strand). Cytogenetic location: 2p15.
Variant type: single nucleotide variant.
Coding change: c.473A>G on transcript NM_015910.7 (MANE Select); coding-DNA position 473, A replaced by G.
Protein change: p.Lys158Arg; replaces lysine 158 with arginine.
Molecular consequence: missense variant. On other transcripts: non-coding transcript variant (2).
Genome position (GRCh38, 1-based): chr2:63,439,783, T>C on the plus strand (A>G on the coding strand, the complement: WDPCP is on the minus strand). VCF-style: chr2-63439783-T-C. GRCh37 (hg19) VCF-style: chr2-63666917-T-C.
Other names: c.473A>G (NM_015910.5); c.401A>G, p.Lys134Arg (NM_001354044.2); c.473A>G, p.Lys158Arg (NM_001354045.2); short protein forms K134R, K158R.
Identifiers: ClinVar variation 2012686 (VCV002012686.5), dbSNP rs1395587134, ClinGen allele CA347064044.
Genomic context (GRCh38, chr2:63,439,783, plus strand): 5'-TGTAGGCAATTGATTTGCACATGGGGGTAATTACCATCACTGATGGTGTCTGAGATGAGC[T>C]TCCCCACCAGGCTTCTGTCAATCACCACTTTCTCCAGCTGCGGCCCAGAAAGGCTTAGAG-3'
Protein context (NP_056994.3, residues 148-168): KVVIDRSLVG[Lys158Arg]LISDTISDAL

ClinVar aggregate classification (germline): Uncertain significance. Review status: criteria provided, multiple submitters, no conflicts (2 of 4 stars). 2 submissions from 2 submitters: Uncertain significance (2). Last evaluated 2025-10-22.

Conditions:
WDPCP-related disorder. Also called: WDPCP-related condition.
Bardet-Biedl syndrome (BBS). Identifiers: Orphanet 110, MedGen C0752166, MONDO:0015229.

Allele frequency attached by ClinVar (database versions not stated): gnomAD exomes below 0.00001; TOPMed below 0.00001; gnomAD 0.00001.
gnomAD v4.1: 4 of 1,613,040 alleles (0.00025%); highest among the groups gnomAD compares: Admixed American, 0.005%; no homozygotes.

Submissions (2):

PreventionGenetics, part of Exact Sciences
Classification: Uncertain significance for WDPCP-related condition. Last evaluated: 2025-10-22. Review status: criteria provided, single submitter. Criteria: ACMG Guidelines, 2015. Collection method: clinical testing. Allele origin: germline.
Comment: The WDPCP c.473A>G variant is predicted to result in the amino acid substitution p.Lys158Arg. To our knowledge, this variant has not been reported in the literature. This variant is reported in 0.0058% of alleles in individuals of Latino descent in gnomAD. At this time, the clinical significance of this variant is uncertain due to the absence of conclusive functional and genetic evidence.

Labcorp Genetics (formerly Invitae), Labcorp
Classification: Uncertain significance for Bardet-Biedl syndrome. Last evaluated: 2022-07-01. Review status: criteria provided, single submitter. Criteria: Invitae Variant Classification Sherloc (09022015). Collection method: clinical testing. Allele origin: germline.
Comment: In summary, the available evidence is currently insufficient to determine the role of this variant in disease. Therefore, it has been classified as a Variant of Uncertain Significance. Algorithms developed to predict the effect of missense changes on protein structure and function are either unavailable or do not agree on the potential impact of this missense change (SIFT: "Tolerated"; PolyPhen-2: "Probably Damaging"; Align-GVGD: "Class C0"). This variant has not been reported in the literature in individuals affected with WDPCP-related conditions. This variant is present in population databases (no rsID available, gnomAD 0.006%). This sequence change replaces lysine, which is basic and polar, with arginine, which is basic and polar, at codon 158 of the WDPCP protein (p.Lys158Arg).